The following is an entry in ClinVar:

ClinVar aggregate classification (germline): Uncertain significance (1 of 4 stars; one submission).

gnomAD v4.1: 32 of 1,613,790 alleles (0.002%); highest among the groups gnomAD compares: Non-Finnish European, 0.0027%; no homozygotes.

Submission:

Labcorp Genetics (formerly Invitae), Labcorp
Classification: Uncertain significance. Last evaluated: 2025-12-22. Review status: criteria provided, single submitter. Criteria: Invitae Variant Classification Sherloc (09022015). Collection method: clinical testing. Allele origin: germline.
Comment: This sequence change replaces glutamic acid, which is acidic and polar, with alanine, which is neutral and non-polar, at codon 767 of the LRRC8A protein (p.Glu767Ala). This variant is present in population databases (rs771624809, gnomAD 0.003%). This variant has not been reported in the literature in individuals affected with LRRC8A-related conditions. An algorithm developed to predict the effect of missense changes on protein structure and function (PolyPhen-2) suggests that this variant is likely to be disruptive. In summary, the available evidence is currently insufficient to determine the role of this variant in disease. Therefore, it has been classified as a Variant of Uncertain Significance.

NM_019594.4(LRRC8A):c.2300A>C (p.Glu767Ala)

Gene: LRRC8A (leucine rich repeat containing 8 VRAC subunit A; plus strand). Cytogenetic location: 9q34.11.
Variant type: single nucleotide variant.
Coding change: c.2300A>C on transcript NM_019594.4 (MANE Select); coding-DNA position 2300, A replaced by C.
Protein change: p.Glu767Ala; replaces glutamic acid 767 with alanine.
Molecular consequence: missense variant.
Genome position (GRCh38, 1-based): chr9:128,916,238, A>C. VCF-style: chr9-128916238-A-C. GRCh37 (hg19) VCF-style: chr9-131678517-A-C.
Other names: c.2300A>C, p.Glu767Ala (NM_001127244.2, NM_001127245.2); short protein forms E767A.
Identifiers: ClinVar variation 4695224 (VCV004695224.1).